The following is an entry in ClinVar:

ClinVar aggregate classification (germline): Uncertain significance (1 of 4 stars; one submission).

Allele frequency attached by ClinVar (database versions not stated): ExAC 0.00001; gnomAD 0.00003; TOPMed 0.00005.
gnomAD v4.1: 24 of 1,614,022 alleles (0.0015%); highest among the groups gnomAD compares: Admixed American, 0.02%; no homozygotes.

Submission:

Labcorp Genetics (formerly Invitae), Labcorp
Classification: Uncertain significance. Last evaluated: 2022-05-14. Review status: criteria provided, single submitter. Criteria: Invitae Variant Classification Sherloc (09022015). Collection method: clinical testing. Allele origin: germline.
Comment: This sequence change replaces glycine, which is neutral and non-polar, with serine, which is neutral and polar, at codon 334 of the WNT2B protein (p.Gly334Ser). This variant is present in population databases (rs770762302, gnomAD 0.01%). This variant has not been reported in the literature in individuals affected with WNT2B-related conditions. Algorithms developed to predict the effect of missense changes on protein structure and function output the following: SIFT: "Deleterious"; PolyPhen-2: "Possibly Damaging"; Align-GVGD: "Class C55". The serine amino acid residue is found in multiple mammalian species, which suggests that this missense change does not adversely affect protein function. In summary, the available evidence is currently insufficient to determine the role of this variant in disease. Therefore, it has been classified as a Variant of Uncertain Significance.

NM_024494.3(WNT2B):c.1000G>A (p.Gly334Ser)

Genes: ST7L (suppression of tumorigenicity 7 like; minus strand), WNT2B (Wnt family member 2B; plus strand). Cytogenetic location: 1p13.2.
Variant type: single nucleotide variant.
Coding change: c.1000G>A on transcript NM_024494.3 (MANE Select); coding-DNA position 1000, G replaced by A.
Protein change: p.Gly334Ser; replaces glycine 334 with serine.
Molecular consequence: missense variant.
Genome position (GRCh38, 1-based): chr1:112,520,333, G>A. VCF-style: chr1-112520333-G-A. GRCh37 (hg19) VCF-style: chr1-113062955-G-A.
Other names: c.724G>A, p.Gly242Ser (NM_001291880.1); c.943G>A, p.Gly315Ser (NM_004185.4); short protein forms G334S, G242S, G315S.
Identifiers: ClinVar variation 2170828 (VCV002170828.1), dbSNP rs770762302, ClinGen allele CA1008415.